The following is an entry in ClinVar:

ClinVar aggregate classification (germline): Uncertain significance. Review status: criteria provided, multiple submitters, no conflicts (2 of 4 stars). 3 submissions from 3 submitters: Uncertain significance (3). Last evaluated 2025-09-18.

Conditions:
Fanconi anemia (FA). Also called: Fanconi's anemia. Identifiers: Orphanet 84, MedGen C0015625, MeSH D005199, MONDO:0019391.
Inborn genetic diseases. Identifiers: MedGen C0950123, MeSH D030342.

Submissions (3):

Labcorp Genetics (formerly Invitae), Labcorp
Classification: Uncertain significance for Fanconi anemia. Last evaluated: 2025-09-18. Review status: criteria provided, single submitter. Criteria: Invitae Variant Classification Sherloc (09022015). Collection method: clinical testing. Allele origin: germline.
Comment: This sequence change replaces valine, which is neutral and non-polar, with isoleucine, which is neutral and non-polar, at codon 1513 of the SLX4 protein (p.Val1513Ile). This variant is present in population databases (rs550419924, gnomAD 0.02%). This variant has not been reported in the literature in individuals affected with SLX4-related conditions. ClinVar contains an entry for this variant (Variation ID: 3381740). An algorithm developed to predict the effect of missense changes on protein structure and function (PolyPhen-2) suggests that this variant is likely to be tolerated. In summary, the available evidence is currently insufficient to determine the role of this variant in disease. Therefore, it has been classified as a Variant of Uncertain Significance.

Ambry Genetics
Classification: Uncertain significance for Inborn genetic diseases. Last evaluated: 2025-01-17. Review status: criteria provided, single submitter. Criteria: Ambry Variant Classification Scheme 2023. Collection method: clinical testing. Allele origin: germline.

GeneDx
Classification: Uncertain significance. Last evaluated: 2024-05-24. Review status: criteria provided, single submitter. Criteria: GeneDx Variant Classification Process June 2021. Collection method: clinical testing. Allele origin: germline. Affected: yes.
Comment: In silico analysis indicates that this missense variant does not alter protein structure/function; Has not been previously published as pathogenic or benign to our knowledge

NM_032444.4(SLX4):c.4537G>A (p.Val1513Ile)

Gene: SLX4 (SLX4 structure-specific endonuclease subunit; minus strand). Cytogenetic location: 16p13.3.
Variant type: single nucleotide variant.
Coding change: c.4537G>A on transcript NM_032444.4 (MANE Select); coding-DNA position 4537, G replaced by A.
Protein change: p.Val1513Ile; replaces valine 1513 with isoleucine.
Molecular consequence: missense variant.
Genome position (GRCh38, 1-based): chr16:3,589,101, C>T on the plus strand (G>A on the coding strand, the complement: SLX4 is on the minus strand). VCF-style: chr16-3589101-C-T. GRCh37 (hg19) VCF-style: chr16-3639102-C-T.
Other names: short protein forms V1513I.
Identifiers: ClinVar variation 3381740 (VCV003381740.4).
Genomic context (GRCh38, chr16:3,589,101, plus strand): 5'-CGCTTGGCATCTGGGCCGGAGGAGGGGTCTCTGGAGGCCTCTGCTCTTCCCCGTCCCAAA[C>T]GTCCCACAGAGCCGAATTCAGAAAGCTCGGCCTGCTATTCCCCAGGGAGCCCGCGCCCGA-3'
Protein context (NP_115820.2, residues 1503-1523): PSFLNSALWD[Val1513Ile]WDGEEQRPPE